The following is an entry in ClinVar:

ClinVar aggregate classification (germline): Uncertain significance (1 of 4 stars; one submission).

Submission:

Ambry Genetics
Classification: Uncertain significance. Last evaluated: 2021-11-16. Review status: criteria provided, single submitter. Criteria: Ambry Variant Classification Scheme 2023. Collection method: clinical testing. Allele origin: germline.
Comment: The p.Y208* variant (also known as c.624T>A), located in coding exon 5 of the RECQL gene, results from a T to A substitution at nucleotide position 624. This changes the amino acid from a tyrosine to a stop codon within coding exon 5. This alteration is expected to result in loss of function by premature protein truncation or nonsense-mediated mRNA decay. The evidence for this gene-disease relationship is limited; therefore, the clinical significance of this alteration is unclear.

NM_002907.4(RECQL):c.624T>A (p.Tyr208Ter)

Gene: RECQL (RecQ like helicase; minus strand). Cytogenetic location: 12p12.1.
Variant type: single nucleotide variant.
Coding change: c.624T>A on transcript NM_002907.4 (MANE Select); coding-DNA position 624, T replaced by A.
Protein change: p.Tyr208Ter; replaces tyrosine 208 with a stop codon.
Molecular consequence: nonsense.
Genome position (GRCh38, 1-based): chr12:21,483,452, A>T on the plus strand (T>A on the coding strand, the complement: RECQL is on the minus strand). VCF-style: chr12-21483452-A-T. GRCh37 (hg19) VCF-style: chr12-21636386-A-T.
Other names: c.624T>A, p.Tyr208Ter (NM_032941.3); short protein forms Y208*.
Identifiers: ClinVar variation 1752443 (VCV001752443.2), dbSNP rs750840235, ClinGen allele CA384127079.